The following is an entry in ClinVar:

ClinVar aggregate classification (germline): Uncertain significance (1 of 4 stars; one submission).

Submission:

CeGaT Center for Human Genetics Tuebingen
Classification: Uncertain significance. Last evaluated: 2022-08-01. Review status: criteria provided, single submitter. Criteria: CeGaT Center For Human Genetics Tuebingen Variant Classification Criteria Version 2. Collection method: clinical testing. Allele origin: germline. Affected: yes. Observed: 1 variant allele.
Comment: SCN4A: PM2, PP3

NM_000334.4(SCN4A):c.3487G>A (p.Val1163Met)

Genes: GH-LCR (growth hormone locus control region; plus strand), SCN4A (sodium voltage-gated channel alpha subunit 4; minus strand). Cytogenetic location: 17q23.3.
Variant type: single nucleotide variant.
Coding change: c.3487G>A on transcript NM_000334.4 (MANE Select); coding-DNA position 3487, G replaced by A.
Protein change: p.Val1163Met; replaces valine 1163 with methionine.
Molecular consequence: missense variant.
Genome position (GRCh38, 1-based): chr17:63,945,593, C>T on the plus strand (G>A on the coding strand, the complement: SCN4A is on the minus strand). VCF-style: chr17-63945593-C-T. GRCh37 (hg19) VCF-style: chr17-62022953-C-T.
Other names: short protein forms V1163M.
Identifiers: ClinVar variation 2648088 (VCV002648088.24), dbSNP rs2509290995, ClinGen allele CA400618603.